The following is an entry in ClinVar:

ClinVar aggregate classification (germline): Conflicting classifications of pathogenicity. Review status: criteria provided, conflicting classifications (1 of 4 stars). 4 submissions from 4 submitters: Uncertain significance (1); Benign (1); Likely benign (2). Last evaluated 2025-04-07.

Conditions:
Renal cell carcinoma. Identifiers: Orphanet 217071, MedGen C0007134, MeSH D002292, MONDO:0005086, HP:0005584.
Hereditary cancer-predisposing syndrome. Also called: Tumor predisposition; Neoplastic Syndromes, Hereditary; Hereditary neoplastic syndrome; Hereditary Cancer Syndrome. Identifiers: Orphanet 140162, MedGen C0027672, MeSH D009386, MONDO:0015356.
Papillary renal cell carcinoma type 1 (RCCP1). Also called: RENAL CELL CARCINOMA, PAPILLARY, 1, SOMATIC; Renal adenocarcinoma; Renal cell carcinoma 1; Renal cell carcinoma, somatic. Identifiers: Orphanet 47044, MedGen C1336839, OMIM 605074, HP:0011797.

Allele frequency attached by ClinVar (database versions not stated): gnomAD exomes below 0.00001 and 0.00002; TOPMed below 0.00001; gnomAD 0.00001.
gnomAD v4.1: 35 of 1,613,860 alleles (0.0022%); highest among the groups gnomAD compares: Non-Finnish European, 0.003%; no homozygotes.

Submissions (4):

Labcorp Genetics (formerly Invitae), Labcorp
Classification: Likely benign for Renal cell carcinoma. Last evaluated: 2025-04-07. Review status: criteria provided, single submitter. Criteria: Invitae Variant Classification Sherloc (09022015). Collection method: clinical testing. Allele origin: germline.

Myriad Genetics, Inc.
Classification: Benign for Papillary renal cell carcinoma type 1. Last evaluated: 2024-11-06. Review status: criteria provided, single submitter. Criteria: Myriad Autosomal Dominant, Autosomal Recessive and X-Linked Classification Criteria (2023). Collection method: clinical testing. Allele origin: unknown.
Comment: This variant is considered benign. This variant is a silent/synonymous amino acid change and it is not expected to impact splicing.

Ambry Genetics
Classification: Likely benign for Hereditary cancer-predisposing syndrome. Last evaluated: 2022-03-03. Review status: criteria provided, single submitter. Criteria: Ambry Variant Classification Scheme 2023. Collection method: clinical testing. Allele origin: germline.

Eurofins Ntd Llc (ga)
Classification: Uncertain significance. Last evaluated: 2013-11-07. Review status: criteria provided, single submitter. Criteria: EGL Classification Definitions 2015. Collection method: clinical testing. Allele origin: germline.

NM_000245.4(MET):c.147A>G (p.Glu49=)

Gene: MET (MET proto-oncogene, receptor tyrosine kinase; plus strand). Cytogenetic location: 7q31.2.
Variant type: single nucleotide variant.
Coding change: c.147A>G on transcript NM_000245.4 (MANE Select); coding-DNA position 147, A replaced by G.
Protein change: p.Glu49=; no amino-acid change (glutamic acid 49 retained).
Molecular consequence: synonymous variant. On other transcripts: intron variant (1).
Genome position (GRCh38, 1-based): chr7:116,699,231, A>G. VCF-style: chr7-116699231-A-G. GRCh37 (hg19) VCF-style: chr7-116339285-A-G.
Other names: c.147A>G, p.Glu49= (NM_001127500.3, NM_001324401.3); c.-91+26654A>G (NM_001324402.2).
Identifiers: ClinVar variation 93568 (VCV000093568.16), dbSNP rs398123567, ClinGen allele CA221497.